The following is an entry in ClinVar:

ClinVar aggregate classification (germline): Uncertain significance (1 of 4 stars; one submission).

Submission:

Labcorp Genetics (formerly Invitae), Labcorp
Classification: Uncertain significance. Last evaluated: 2024-05-21. Review status: criteria provided, single submitter. Criteria: Invitae Variant Classification Sherloc (09022015). Collection method: clinical testing. Allele origin: germline.
Comment: This sequence change replaces serine, which is neutral and polar, with arginine, which is basic and polar, at codon 819 of the CACNA1D protein (p.Ser819Arg). This variant is not present in population databases (gnomAD no frequency). This variant has not been reported in the literature in individuals affected with CACNA1D-related conditions. ClinVar contains an entry for this variant (Variation ID: 1524658). Advanced modeling of protein sequence and biophysical properties (such as structural, functional, and spatial information, amino acid conservation, physicochemical variation, residue mobility, and thermodynamic stability) performed at Invitae indicates that this missense variant is not expected to disrupt CACNA1D protein function with a negative predictive value of 80%. In summary, the available evidence is currently insufficient to determine the role of this variant in disease. Therefore, it has been classified as a Variant of Uncertain Significance.

NM_001128840.3(CACNA1D):c.2395A>C (p.Ser799Arg)

Gene: CACNA1D (calcium voltage-gated channel subunit alpha1 D; plus strand). Cytogenetic location: 3p21.1.
Variant type: single nucleotide variant.
Coding change: c.2395A>C on transcript NM_001128840.3 (MANE Select); coding-DNA position 2395, A replaced by C.
Protein change: p.Ser799Arg; replaces serine 799 with arginine.
Molecular consequence: missense variant.
Genome position (GRCh38, 1-based): chr3:53,731,135, A>C. VCF-style: chr3-53731135-A-C. GRCh37 (hg19) VCF-style: chr3-53765162-A-C.
Other names: c.2455A>C, p.Ser819Arg (NM_000720.4); c.2395A>C, p.Ser799Arg (NM_001128839.3); short protein forms S799R, S819R.
Identifiers: ClinVar variation 1524658 (VCV001524658.6), dbSNP rs1456940763, ClinGen allele CA353240793.
Genomic context (GRCh38, chr3:53,731,135, plus strand): 5'-AGAAAAGAGAGCCTAGAAAATAAAAAGAACAACAAACCAGAAGTCAACCAGATAGCCAAC[A>C]GTGACAACAAGGTATGTATTCTAAGATGCTTCTCCCCTTTTTGTTTCAAAATGATCCTGT-3'
Protein context (NP_001122312.1, residues 789-809): NKPEVNQIAN[Ser799Arg]DNKVTIDDYR